The following is an entry in ClinVar:

ClinVar aggregate classification (germline): Uncertain significance. Review status: criteria provided, single submitter (1 of 4 stars). 2 submissions from 2 submitters: Uncertain significance (1). 1 of the submissions does not count toward it. Last evaluated 2025-10-07.

Conditions:
SMPD1-related disorder. Also called: SMPD1-related condition.
Sphingomyelin/cholesterol lipidosis. Also called: Niemann-Pick disease. Identifiers: MedGen C0028064, MONDO:0001982.

Allele frequency attached by ClinVar (database versions not stated): TOPMed 0.00001.

Submissions (2):

PreventionGenetics, part of Exact Sciences
Classification: Uncertain significance for SMPD1-related condition. Last evaluated: 2025-10-07. Review status: criteria provided, single submitter. Criteria: ACMG Guidelines, 2015. Collection method: clinical testing. Allele origin: germline.
Comment: The SMPD1 c.10T>C variant is predicted to result in the amino acid substitution p.Tyr4His. To our knowledge, this variant has not been reported in the literature or in a large population database (gnomAD), indicating this variant is rare. At this time, the clinical significance of this variant is uncertain due to the absence of conclusive functional and genetic evidence.

Natera, Inc.
Classification: Uncertain significance for Acid sphingomyelinase deficiency. Last evaluated: 2020-10-14. Review status: no assertion criteria provided. Collection method: clinical testing. Allele origin: germline. Not counted in ClinVar's aggregate classification.

NM_000543.5(SMPD1):c.10T>C (p.Tyr4His)

Genes: SMPD1 (sphingomyelin phosphodiesterase 1; plus strand), LOC130005193 (ATAC-STARR-seq lymphoblastoid silent region 3099; plus strand). Cytogenetic location: 11p15.4.
Variant type: single nucleotide variant.
Coding change: c.10T>C on transcript NM_000543.5 (MANE Select); coding-DNA position 10, T replaced by C.
Protein change: p.Tyr4His; replaces tyrosine 4 with histidine.
Molecular consequence: missense variant. On other transcripts: 5 prime UTR variant (1), non-coding transcript variant (2).
Genome position (GRCh38, 1-based): chr11:6,390,608, T>C. VCF-style: chr11-6390608-T-C. GRCh37 (hg19) VCF-style: chr11-6411838-T-C.
Other names: c.10T>C (NM_000543.4); c.10T>C, p.Tyr4His (NM_001007593.3, NM_001318087.2, NM_001365135.2); c.-952T>C (NM_001318088.2); short protein forms Y4H.
Identifiers: ClinVar variation 991120 (VCV000991120.2), dbSNP rs1400503556, ClinGen allele CA379366399.